The following is an entry in ClinVar:

NM_194248.3(OTOF):c.2236C>T (p.Gln746Ter)

Genes: OTOF (otoferlin; minus strand), LOC129933334 (ATAC-STARR-seq lymphoblastoid active region 15473; plus strand). Cytogenetic location: 2p23.3.
Variant type: single nucleotide variant.
Coding change: c.2236C>T on transcript NM_194248.3 (MANE Select); coding-DNA position 2236, C replaced by T.
Protein change: p.Gln746Ter; replaces glutamine 746 with a stop codon.
Molecular consequence: nonsense. On other transcripts: 5 prime UTR variant (2).
Genome position (GRCh38, 1-based): chr2:26,477,728, G>A on the plus strand (C>T on the coding strand, the complement: OTOF is on the minus strand). VCF-style: chr2-26477728-G-A. GRCh37 (hg19) VCF-style: chr2-26700596-G-A.
Other names: c.2236C>T, p.Gln746Ter (NM_001287489.2); c.-6C>T (NM_004802.4, NM_194323.3); c.166C>T, p.Gln56Ter (NM_194322.3); short protein forms Q746*, Q56*.
Identifiers: ClinVar variation 5006270 (VCV005006270.2).

ClinVar aggregate classification (germline): Pathogenic (1 of 4 stars; one submission).

Conditions:
Autosomal recessive nonsyndromic hearing loss 9. Also called: Deafness, autosomal recessive 9; OTOF-Related Hearing Loss; AUDITORY NEUROPATHY, AUTOSOMAL RECESSIVE, 1, TEMPERATURE-SENSITIVE; NEUROSENSORY NONSYNDROMIC RECESSIVE DEAFNESS 9. Identifiers: Orphanet 90636, MedGen C1832828, MONDO:0010986, OMIM 601071.

gnomAD v4.1: 2 of 1,612,712 alleles (0.00012%); highest among the groups gnomAD compares: South Asian, 0.0011%; no homozygotes.

Submission:

Juno Genomics, Hangzhou Juno Genomics, Inc
Classification: Pathogenic for Autosomal recessive nonsyndromic hearing loss 9. Review status: criteria provided, single submitter. Criteria: ACMG Guidelines, 2015. Collection method: clinical testing. Allele origin: germline.
Comment: Absent from controls (or at extremely low frequency if recessive) in Genome Aggregation Database.;Null variant in a gene where loss of function (LOF) is a known mechanism of disease.;For recessive disorders, detected in trans with a pathogenic variant.